The following is an entry in ClinVar:

ClinVar aggregate classification (germline): Pathogenic (1 of 4 stars; one submission).

Conditions:
Developmental and epileptic encephalopathy, 9 (DEE9). Also called: Early infantile epileptic encephalopathy 9; PCDH19-Related X-Linked Female-Limited Epilepsy with Mental Retardation; EPILEPSY, FEMALE-RESTRICTED, WITH MENTAL RETARDATION; JUBERG-HELLMAN SYNDROME. Identifiers: Orphanet 101039, Orphanet 2076, MedGen C1848137, MONDO:0010246, OMIM 300088. Disease mechanism: loss of function.

Submission:

Labcorp Genetics (formerly Invitae), Labcorp
Classification: Pathogenic for Developmental and epileptic encephalopathy, 9. Last evaluated: 2023-04-28. Review status: criteria provided, single submitter. Criteria: Invitae Variant Classification Sherloc (09022015). Collection method: clinical testing. Allele origin: germline.
Comment: For these reasons, this variant has been classified as Pathogenic. ClinVar contains an entry for this variant (Variation ID: 650979). This premature translational stop signal has been observed in individual(s) with clinical features of developmental and epileptic encephalopathy (Invitae). In at least one individual the variant was observed to be de novo. This variant is not present in population databases (gnomAD no frequency). This sequence change creates a premature translational stop signal (p.Tyr1083Serfs*47) in the PCDH19 gene. While this is not anticipated to result in nonsense mediated decay, it is expected to disrupt the last 66 amino acid(s) of the PCDH19 protein.

NM_001184880.2(PCDH19):c.3248del (p.Tyr1083fs)

Gene: PCDH19 (protocadherin 19; minus strand). Cytogenetic location: Xq22.1.
Variant type: Deletion.
Coding change: c.3248del on transcript NM_001184880.2 (MANE Select); coding-DNA position 3248, one base deleted (A; older notation c.3248delA).
Protein change: p.Tyr1083fs; shifts the reading frame from tyrosine 1083.
Molecular consequence: frameshift variant.
Genome position (GRCh38, 1-based): chrX:100,296,476, T deleted on the plus strand (A on the coding strand, the reverse complement: PCDH19 is on the minus strand). VCF-style (leftmost placement, unchanged base first): chrX-100296475-GT-G. GRCh37 (hg19) VCF-style: chrX-99551473-GT-G.
Other names: c.3107del, p.Tyr1036fs (NM_001105243.2); c.3104del, p.Tyr1035fs (NM_020766.3); short protein forms Y1035fs, Y1083fs, Y1036fs.
Identifiers: ClinVar variation 650979 (VCV000650979.7), dbSNP rs1602566823, ClinGen allele CA915951289.